The following is an entry in ClinVar:

ClinVar aggregate classification (germline): Uncertain significance. Review status: criteria provided, multiple submitters, no conflicts (2 of 4 stars). 2 submissions from 2 submitters: Uncertain significance (2). Last evaluated 2026-06-10.

Conditions:
Familial episodic pain syndrome with predominantly lower limb involvement. Also called: Episodic pain syndrome, familial, 3. Identifiers: Orphanet 391384, Orphanet 391392, MedGen C3809899, MONDO:0014247, OMIM 615552.
Hereditary sensory and autonomic neuropathy type 7. Also called: HSAN VII; Neuropathy, hereditary sensory and autonomic, type VII. Identifiers: Orphanet 391397, MedGen C3809882, MONDO:0014244, OMIM 615548.
SCN11A-related disorder. Also called: SCN11A-related condition.

Allele frequency attached by ClinVar (database versions not stated): gnomAD exomes below 0.00001; TOPMed below 0.00001.
gnomAD v4.1: 6 of 1,612,862 alleles (0.00037%); highest among the groups gnomAD compares: Non-Finnish European, 0.00051%; no homozygotes.

Submissions (2):

PreventionGenetics, part of Exact Sciences
Classification: Uncertain significance for SCN11A-related condition. Last evaluated: 2026-06-10. Review status: criteria provided, single submitter. Criteria: ACMG Guidelines, 2015. Collection method: clinical testing. Allele origin: germline.
Comment: The SCN11A c.950T>C variant is predicted to result in the amino acid substitution p.Met317Thr. To our knowledge, this variant has not been reported in the literature or in a large population database (gnomAD), indicating this variant is rare. At this time, the clinical significance of this variant is uncertain due to the absence of conclusive functional and genetic evidence.

Labcorp Genetics (formerly Invitae), Labcorp
Classification: Uncertain significance for Familial episodic pain syndrome with predominantly lower limb involvement; Hereditary sensory and autonomic neuropathy type 7. Last evaluated: 2025-12-03. Review status: criteria provided, single submitter. Criteria: Invitae Variant Classification Sherloc (09022015). Collection method: clinical testing. Allele origin: germline.
Comment: This sequence change replaces methionine, which is neutral and non-polar, with threonine, which is neutral and polar, at codon 317 of the SCN11A protein (p.Met317Thr). This variant is not present in population databases (gnomAD no frequency). This variant has not been reported in the literature in individuals affected with SCN11A-related conditions. ClinVar contains an entry for this variant (Variation ID: 570482). Invitae Evidence Modeling of protein sequence and biophysical properties (such as structural, functional, and spatial information, amino acid conservation, physicochemical variation, residue mobility, and thermodynamic stability) indicates that this missense variant is not expected to disrupt SCN11A protein function with a negative predictive value of 80%. In summary, the available evidence is currently insufficient to determine the role of this variant in disease. Therefore, it has been classified as a Variant of Uncertain Significance.

NM_001349253.2(SCN11A):c.950T>C (p.Met317Thr)

Gene: SCN11A (sodium voltage-gated channel alpha subunit 11; minus strand). Cytogenetic location: 3p22.2.
Variant type: single nucleotide variant.
Coding change: c.950T>C on transcript NM_001349253.2 (MANE Select); coding-DNA position 950, T replaced by C.
Protein change: p.Met317Thr; replaces methionine 317 with threonine.
Molecular consequence: missense variant.
Genome position (GRCh38, 1-based): chr3:38,919,944, A>G on the plus strand (T>C on the coding strand, the complement: SCN11A is on the minus strand). VCF-style: chr3-38919944-A-G. GRCh37 (hg19) VCF-style: chr3-38961435-A-G.
Other names: c.950T>C, p.Met317Thr (NM_014139.3); short protein forms M317T.
Identifiers: ClinVar variation 570482 (VCV000570482.6), dbSNP rs1559531816, ClinGen allele CA352170545.